The following is an entry in ClinVar:

ClinVar aggregate classification (germline): Conflicting classifications of pathogenicity. Review status: criteria provided, conflicting classifications (1 of 4 stars). 2 submissions from 2 submitters: Uncertain significance (1); Benign (1). Last evaluated 2025-07-01.

Allele frequency attached by ClinVar (database versions not stated): TOPMed below 0.00001.

Submissions (2):

CeGaT Center for Human Genetics Tuebingen
Classification: Uncertain significance. Last evaluated: 2025-07-01. Review status: criteria provided, single submitter. Criteria: CeGaT Center For Human Genetics Tuebingen Variant Classification Criteria Version 2. Collection method: clinical testing. Allele origin: germline. Affected: yes. Observed: 1 variant allele.
Comment: CACNA1E: PM2

Labcorp Genetics (formerly Invitae), Labcorp
Classification: Benign. Last evaluated: 2023-03-15. Review status: criteria provided, single submitter. Criteria: Invitae Variant Classification Sherloc (09022015). Collection method: clinical testing. Allele origin: germline.

NM_001205293.3(CACNA1E):c.3233A>G (p.Asp1078Gly)

Gene: CACNA1E (calcium voltage-gated channel subunit alpha1 E; plus strand). Cytogenetic location: 1q25.3.
Variant type: single nucleotide variant.
Coding change: c.3233A>G on transcript NM_001205293.3 (MANE Select); coding-DNA position 3233, A replaced by G.
Protein change: p.Asp1078Gly; replaces aspartic acid 1078 with glycine.
Molecular consequence: missense variant.
Genome position (GRCh38, 1-based): chr1:181,733,721, A>G. VCF-style: chr1-181733721-A-G. GRCh37 (hg19) VCF-style: chr1-181702857-A-G.
Other names: c.3233A>G, p.Asp1078Gly (NM_000721.4); c.3176A>G, p.Asp1059Gly (NM_001205294.2); short protein forms D1059G, D1078G.
Identifiers: ClinVar variation 1561562 (VCV001561562.16), dbSNP rs1655753199, ClinGen allele CA343621345.